The following is an entry in ClinVar:

ClinVar aggregate classification (germline): Uncertain significance (1 of 4 stars; one submission).

Submission:

Labcorp Genetics (formerly Invitae), Labcorp
Classification: Uncertain significance. Last evaluated: 2025-07-02. Review status: criteria provided, single submitter. Criteria: Invitae Variant Classification Sherloc (09022015). Collection method: clinical testing. Allele origin: germline.
Comment: This variant, c.5278_5280del, results in the deletion of 1 amino acid(s) of the TET2 protein (p.Ser1760del), but otherwise preserves the integrity of the reading frame. This variant is present in population databases (no rsID available, gnomAD 0.02%). This variant has not been reported in the literature in individuals affected with TET2-related conditions. Experimental studies and prediction algorithms are not available or were not evaluated, and the functional significance of this variant is currently unknown. In summary, the available evidence is currently insufficient to determine the role of this variant in disease. Therefore, it has been classified as a Variant of Uncertain Significance.

NM_001127208.3(TET2):c.5278_5280del (p.Ser1760del)

Genes: TET2 (tet methylcytosine dioxygenase 2; plus strand), TET2-AS1 (TET2 antisense RNA 1; minus strand). Cytogenetic location: 4q24.
Variant type: Deletion.
Coding change: c.5278_5280del on transcript NM_001127208.3 (MANE Select); coding-DNA positions 5278 to 5280, 3 bases deleted (TCT; older notation c.5278_5280delTCT).
Protein change: p.Ser1760del; deletes serine 1760.
Molecular consequence: inframe deletion.
Genome position (GRCh38, 1-based): chr4:105,275,788-105,275,790, TCT deleted; deleting any 3 consecutive bases within chr4:105,275,786-105,275,790 gives the same sequence; the c. name uses the placement nearest the transcript's 3' end. VCF-style (leftmost placement, unchanged base first): chr4-105275785-CCTT-C. GRCh37 (hg19) VCF-style: chr4-106196942-CCTT-C.
Other names: short protein forms S1760del.
Identifiers: ClinVar variation 4725845 (VCV004725845.1).